The following is an entry in ClinVar:

NM_018076.5(ODAD2):c.328T>G (p.Leu110Val)

Gene: ODAD2 (outer dynein arm docking complex subunit 2; minus strand). Cytogenetic location: 10p12.1.
Variant type: single nucleotide variant.
Coding change: c.328T>G on transcript NM_018076.5 (MANE Select); coding-DNA position 328, T replaced by G.
Protein change: p.Leu110Val; replaces leucine 110 with valine.
Molecular consequence: missense variant.
Genome position (GRCh38, 1-based): chr10:27,987,440, A>C on the plus strand (T>G on the coding strand, the complement: ODAD2 is on the minus strand). VCF-style: chr10-27987440-A-C. GRCh37 (hg19) VCF-style: chr10-28276369-A-C.
Other names: c.328T>G, p.Leu110Val (NM_001290020.2); short protein forms L110V.
Identifiers: ClinVar variation 2563326 (VCV002563326.2), dbSNP rs200893584, ClinGen allele CA5453854.

ClinVar aggregate classification (germline): Uncertain significance (1 of 4 stars; one submission).

Conditions:
Primary ciliary dyskinesia. Also called: Ciliary dyskinesia. Identifiers: Orphanet 244, MedGen C0008780, MONDO:0016575, HP:0012265.

Allele frequency attached by ClinVar (database versions not stated): gnomAD exomes below 0.00001; TOPMed below 0.00001; ExAC 0.00001; gnomAD 0.00001; 1000 Genomes Project 30x 0.00016; 1000 Genomes Project 0.00020.
gnomAD v4.1: 3 of 1,613,994 alleles (0.00019%); highest among the groups gnomAD compares: East Asian, 0.0067%; no homozygotes.

Submission:

Ambry Genetics
Classification: Uncertain significance for Primary ciliary dyskinesia. Last evaluated: 2023-04-22. Review status: criteria provided, single submitter. Criteria: Ambry Variant Classification Scheme 2023. Collection method: clinical testing. Allele origin: germline.
Comment: The p.L110V variant (also known as c.328T>G), located in coding exon 2 of the ARMC4 gene, results from a T to G substitution at nucleotide position 328. The leucine at codon 110 is replaced by valine, an amino acid with highly similar properties. This amino acid position is conserved. In addition, this alteration is predicted to be tolerated by in silico analysis. Since supporting evidence is limited at this time, the clinical significance of this alteration remains unclear.